The following is an entry in ClinVar:

NM_002878.4(RAD51D):c.211_263+3141del

Genes: RAD51L3-RFFL (RAD51L3-RFFL readthrough; minus strand), RAD51D (RAD51 paralog D; minus strand). Cytogenetic location: 17q12.
Variant type: Deletion.
Coding change: c.211_263+3141del on transcript NM_002878.4 (MANE Select); coding-DNA position 211 through 3141 bases into the intron after coding-DNA position 263, 3,194 bases deleted.
Molecular consequence: splice donor variant. On other transcripts: intron variant (1), splice acceptor variant (1).
Genome position (GRCh38, 1-based): chr17:35,115,360-35,118,553, 3,194 bases deleted. GRCh37 (hg19): chr17:33,442,382-33,445,575.
Other names: c.144+558_144+3751del (NM_133629.3); c.144+558_323+1499del (NM_001142571.2).
Identifiers: ClinVar variation 1786094 (VCV001786094.2), ClinGen allele CA2580093252.

ClinVar aggregate classification (germline): Likely pathogenic (1 of 4 stars; one submission).

Conditions:
Hereditary cancer-predisposing syndrome. Also called: Neoplastic Syndromes, Hereditary; Tumor predisposition; Hereditary Cancer Syndrome; Hereditary neoplastic syndrome. Identifiers: Orphanet 140162, MedGen C0027672, MeSH D009386, MONDO:0015356.

Submission:

Ambry Genetics
Classification: Likely pathogenic for Hereditary cancer-predisposing syndrome. Last evaluated: 2021-09-01. Review status: criteria provided, single submitter. Criteria: Ambry Variant Classification Scheme 2023. Collection method: clinical testing. Allele origin: germline.
Comment: The c.211_263+3141del3194 gross deletion spans a portion of coding exon 3 into intron 3 in the RAD51D gene. This deletion encompasses the native splice donor site. In silico splice site analysis predicts that this alteration will weaken the native splice donor site; however direct evidence is insufficient at this time (Ambry internal data). Alterations that disrupt the canonical splice site are expected to cause aberrant splicing, resulting in an abnormal protein or a transcript that is subject to nonsense-mediated mRNA decay. As such, this alteration is classified as likely pathogenic.